The following is an entry in ClinVar:

ClinVar aggregate classification (germline): Pathogenic. Review status: reviewed by expert panel (3 of 4 stars). 2 submissions from 2 submitters: Pathogenic (1). 1 of the submissions does not count toward it. Last evaluated 2016-10-18.

Conditions:
Breast-ovarian cancer, familial, susceptibility to, 2 (BROVCA2). Also called: BRCA2 Hereditary Breast and Ovarian Cancer. Identifiers: Orphanet 145, MedGen C2675520, MONDO:0012933, OMIM 612555. Disease mechanism: loss of function.

Submissions (2):

Evidence-based Network for the Interpretation of Germline Mutant Alleles (ENIGMA)
Classification: Pathogenic for Breast-ovarian cancer, familial, susceptibility to, 2. Last evaluated: 2016-10-18. Review status: reviewed by expert panel. Criteria: ENIGMA BRCA1/2 Classification Criteria (2015). Collection method: curation. Allele origin: germline.
Comment: Variant allele predicted to encode a truncated non-functional protein.

Consortium of Investigators of Modifiers of BRCA1/2 (CIMBA), c/o University of Cambridge
Classification: Pathogenic for Breast-ovarian cancer, familial, susceptibility to, 2. Last evaluated: 2015-10-02. Review status: criteria provided, single submitter. Criteria: CIMBA Mutation Classification guidelines May 2016. Collection method: clinical testing. Allele origin: germline. Not counted in ClinVar's aggregate classification.

NM_000059.4(BRCA2):c.3814_3815insC (p.Met1272fs)

Gene: BRCA2 (BRCA2 DNA repair associated; plus strand). Cytogenetic location: 13q13.1.
Variant type: Insertion.
Coding change: c.3814_3815insC on transcript NM_000059.4 (MANE Select); coding-DNA positions 3814 to 3815, C inserted.
Protein change: p.Met1272fs; shifts the reading frame from methionine 1272.
Molecular consequence: frameshift variant.
Genome position: GRCh38 VCF-style: chr13-32338169-A-AC. GRCh37 (hg19) VCF-style: chr13-32912306-A-AC.
Other names: 4042insC; short protein forms M1272fs.
Identifiers: ClinVar variation 266774 (VCV000266774.5), dbSNP rs886040497, ClinGen allele CA10589224.